The following is an entry in ClinVar:

ClinVar aggregate classification (germline): Uncertain significance (1 of 4 stars; one submission).

Submission:

Illumina Laboratory Services, Illumina
Classification: Uncertain significance. Last evaluated: 2022-03-30. Review status: criteria provided, single submitter. Criteria: ICSL CNVClassificationCriteria Aug2020. Collection method: clinical testing. Allele origin: unknown.
Comment: This CNV is a 172-kb duplication of 22q13.2 on chromosome 22, (seqGRCh37]dup22)q13.2); chr22:g.41408541_41580159dup) found in a de novo state. The CNV constitutes a duplication encompassing a single protein-coding gene, EP300. Loss of function of the EP300 gene is associated with Rubinstein-Taybi syndrome (RSTS; Stevens et al. 2002). To our knowledge, duplications of EP300 or the surrounding region that do not have breakpoints within EP300 have not been specifically associated with RSTS. However, a de novo 569-kb duplication of 22q13.2 has been reported in an individual with short stature, speech and language impairment, brachydactyly, small feet, and facial dysmorphism, including hypertelorism, high arched palate, and ear abnormalities (Samanich et al. 2012). This event also involves duplication of EP300, and although it contains additional genomic content compared to the event in the proband, these genes have yet to be associated with disease. Interestingly, microduplication of CREBBP, another gene associated with RSTS, has been associated with some overlapping features, including intellectual disability and facial dysmorphism (Stevens et al. 2002). Based on the available evidence, this CNV is classified as a variant of uncertain significance.

Literature cited by the submitters: PubMed 20301699; PubMed 27625801.

GRCh37/hg19 22q13.2(chr22:41408541-41580159)x3

Gene: EP300 (E1A binding protein p300; plus strand). Cytogenetic location: 22q13.2.
Variant type: copy number gain.
Change: copy number 3 (three copies instead of two) of chr22:41,408,541-41,580,159 (171.6 kb, GRCh37 coordinates, 1-based), cytogenetic band 22q13.2.
Identifiers: ClinVar variation 1803809 (VCV001803809.3).